The following is an entry in ClinVar:

NM_001267550.2(TTN):c.12078G>A (p.Leu4026=)

Gene: TTN (titin; minus strand). Cytogenetic location: 2q31.2.
Variant type: single nucleotide variant.
Coding change: c.12078G>A on transcript NM_001267550.2 (MANE Select); coding-DNA position 12078, G replaced by A.
Protein change: p.Leu4026=; no amino-acid change (leucine 4026 retained).
Molecular consequence: synonymous variant. On other transcripts: intron variant (1).
Genome position (GRCh38, 1-based): chr2:178,741,155, C>T on the plus strand (G>A on the coding strand, the complement: TTN is on the minus strand). VCF-style: chr2-178741155-C-T. GRCh37 (hg19) VCF-style: chr2-179605882-C-T.
Other names: c.11127G>A, p.Leu3709= (NM_001256850.1); c.10989G>A, p.Leu3663= (NM_003319.4); c.11364G>A, p.Leu3788= (NM_133432.3); c.11565G>A, p.Leu3855= (NM_133437.4); c.10361-2795G>A (NM_133378.4).
Identifiers: ClinVar variation 509225 (VCV000509225.7), dbSNP rs926556907, ClinGen allele CA60984552.

ClinVar aggregate classification (germline): Likely benign. Review status: criteria provided, multiple submitters, no conflicts (2 of 4 stars). 3 submissions from 3 submitters: Likely benign (3). Last evaluated 2025-11-24.

Conditions:
Cardiovascular phenotype. Identifiers: MedGen CN230736.
Dilated cardiomyopathy 1G (CMD1G). Identifiers: Orphanet 154, MedGen C1858763, MONDO:0011400, OMIM 604145.
Autosomal recessive limb-girdle muscular dystrophy type 2J (LGMDR10). Also called: Limb-girdle muscular dystrophy, type 2J; MUSCULAR DYSTROPHY, LIMB-GIRDLE, AUTOSOMAL RECESSIVE 10. Identifiers: Orphanet 140922, MedGen C1837342, MONDO:0012127, OMIM 608807.

Allele frequency attached by ClinVar (database versions not stated): TOPMed below 0.00001; gnomAD 0.00001.
gnomAD v4.1: 3 of 1,613,502 alleles (0.00019%); highest among the groups gnomAD compares: African/African-American, 0.0013%; no homozygotes.

Submissions (3):

Ambry Genetics
Classification: Likely benign for Cardiovascular phenotype. Last evaluated: 2025-11-24. Review status: criteria provided, single submitter. Criteria: Ambry Variant Classification Scheme 2023. Collection method: clinical testing. Allele origin: germline.

Labcorp Genetics (formerly Invitae), Labcorp
Classification: Likely benign for Dilated cardiomyopathy 1G; Autosomal recessive limb-girdle muscular dystrophy type 2J. Last evaluated: 2024-03-06. Review status: criteria provided, single submitter. Criteria: Invitae Variant Classification Sherloc (09022015). Collection method: clinical testing. Allele origin: germline.

GeneDx
Classification: Likely benign. Last evaluated: 2017-04-25. Review status: criteria provided, single submitter. Criteria: GeneDx Variant Classification (06012015). Collection method: clinical testing. Allele origin: germline. Affected: yes.
Comment: This variant is considered likely benign or benign based on one or more of the following criteria: it is a conservative change, it occurs at a poorly conserved position in the protein, it is predicted to be benign by multiple in silico algorithms, and/or has population frequency not consistent with disease.